The following is an entry in ClinVar:

ClinVar aggregate classification (germline): Uncertain significance (1 of 4 stars; one submission).

Conditions:
Duchenne muscular dystrophy (DMD). Also called: MUSCULAR DYSTROPHY, PSEUDOHYPERTROPHIC PROGRESSIVE, DUCHENNE TYPE; Duchenne Muscular Dystrophy (DMD). Identifiers: Orphanet 98896, MedGen C0013264, MONDO:0010679, OMIM 310200.

Submission:

Labcorp Genetics (formerly Invitae), Labcorp
Classification: Uncertain significance for Duchenne muscular dystrophy. Last evaluated: 2024-11-07. Review status: criteria provided, single submitter. Criteria: Invitae Variant Classification Sherloc (09022015). Collection method: clinical testing. Allele origin: germline.
Comment: This sequence change replaces glutamic acid, which is acidic and polar, with alanine, which is neutral and non-polar, at codon 1178 of the DMD protein (p.Glu1178Ala). This variant is not present in population databases (gnomAD no frequency). This variant has not been reported in the literature in individuals affected with DMD-related conditions. Invitae Evidence Modeling of protein sequence and biophysical properties (such as structural, functional, and spatial information, amino acid conservation, physicochemical variation, residue mobility, and thermodynamic stability) indicates that this missense variant is not expected to disrupt DMD protein function with a negative predictive value of 95%. In summary, the available evidence is currently insufficient to determine the role of this variant in disease. Therefore, it has been classified as a Variant of Uncertain Significance.

NM_004006.3(DMD):c.3533A>C (p.Glu1178Ala)

Gene: DMD (dystrophin; minus strand). Cytogenetic location: Xp21.1.
Variant type: single nucleotide variant.
Coding change: c.3533A>C on transcript NM_004006.3 (MANE Select); coding-DNA position 3533, A replaced by C.
Protein change: p.Glu1178Ala; replaces glutamic acid 1178 with alanine.
Molecular consequence: missense variant.
Genome position (GRCh38, 1-based): chrX:32,454,732, T>G on the plus strand (A>C on the coding strand, the complement: DMD is on the minus strand). VCF-style: chrX-32454732-T-G. GRCh37 (hg19) VCF-style: chrX-32472849-T-G.
Other names: c.3509A>C, p.Glu1170Ala (NM_000109.4); c.3521A>C, p.Glu1174Ala (NM_004009.3); c.3164A>C, p.Glu1055Ala (NM_004010.3); short protein forms E1055A, E1170A, E1174A, E1178A.
Identifiers: ClinVar variation 3668012 (VCV003668012.2).